The following is an entry in ClinVar:

ClinVar aggregate classification (germline): Uncertain significance (1 of 4 stars; one submission).

Allele frequency attached by ClinVar (database versions not stated): gnomAD 0.00001; TOPMed 0.00001; gnomAD exomes 0.00004.
gnomAD v4.1: 66 of 1,611,436 alleles (0.0041%); highest among the groups gnomAD compares: Non-Finnish European, 0.0052%; no homozygotes.

Submission:

GeneDx
Classification: Uncertain significance. Last evaluated: 2022-10-28. Review status: criteria provided, single submitter. Criteria: GeneDx Variant Classification Process June 2021. Collection method: clinical testing. Allele origin: germline. Affected: yes.
Comment: Not observed at significant frequency in large population cohorts (gnomAD); Missense variant in a gene in which most reported pathogenic variants are truncating/loss of function; Has not been previously published as pathogenic or benign to our knowledge

NM_001267550.2(TTN):c.38924C>T (p.Ala12975Val)

Gene: TTN (titin; minus strand). Cytogenetic location: 2q31.2.
Variant type: single nucleotide variant.
Coding change: c.38924C>T on transcript NM_001267550.2 (MANE Select); coding-DNA position 38924, C replaced by T.
Protein change: p.Ala12975Val; replaces alanine 12975 with valine.
Molecular consequence: missense variant. On other transcripts: intron variant (5).
Genome position (GRCh38, 1-based): chr2:178,652,883, G>A on the plus strand (C>T on the coding strand, the complement: TTN is on the minus strand). VCF-style: chr2-178652883-G-A. GRCh37 (hg19) VCF-style: chr2-179517610-G-A.
Other names: c.13283-10566C>T (NM_003319.4); c.13859-10566C>T (NM_133437.4); c.13658-10566C>T (NM_133432.3); c.31742-342C>T (NM_133378.4); c.34523-342C>T (NM_001256850.1); short protein forms A12975V.
Identifiers: ClinVar variation 2500604 (VCV002500604.1), dbSNP rs1163292825, ClinGen allele CA349465569.